The following is an entry in ClinVar:

ClinVar aggregate classification (germline): Uncertain significance. Review status: criteria provided, multiple submitters, no conflicts (2 of 4 stars). 2 submissions from 2 submitters: Uncertain significance (2). Last evaluated 2025-04-15.

Allele frequency attached by ClinVar (database versions not stated): gnomAD 0.00008 and 0.00007; TOPMed 0.00010; ESP Exome Variant Server 0.00015.
gnomAD v4.1: 16 of 1,614,094 alleles (0.00099%); highest among the groups gnomAD compares: African/African-American, 0.02%; no homozygotes.

Submissions (2):

Ambry Genetics
Classification: Uncertain significance. Last evaluated: 2025-04-15. Review status: criteria provided, single submitter. Criteria: Ambry Variant Classification Scheme 2023. Collection method: clinical testing. Allele origin: germline.

Labcorp Genetics (formerly Invitae), Labcorp
Classification: Uncertain significance. Last evaluated: 2022-08-10. Review status: criteria provided, single submitter. Criteria: Invitae Variant Classification Sherloc (09022015). Collection method: clinical testing. Allele origin: germline.
Comment: This sequence change replaces aspartic acid, which is acidic and polar, with tyrosine, which is neutral and polar, at codon 416 of the ICK protein (p.Asp416Tyr). This variant is present in population databases (rs150600768, gnomAD 0.02%). This variant has not been reported in the literature in individuals affected with ICK-related conditions. ClinVar contains an entry for this variant (Variation ID: 1680543). Algorithms developed to predict the effect of missense changes on protein structure and function (SIFT, PolyPhen-2, Align-GVGD) all suggest that this variant is likely to be disruptive. In summary, the available evidence is currently insufficient to determine the role of this variant in disease. Therefore, it has been classified as a Variant of Uncertain Significance.

NM_014920.5(CILK1):c.1246G>T (p.Asp416Tyr)

Gene: CILK1 (ciliogenesis associated kinase 1; minus strand). Cytogenetic location: 6p12.1.
Variant type: single nucleotide variant.
Coding change: c.1246G>T on transcript NM_014920.5 (MANE Select); coding-DNA position 1246, G replaced by T.
Protein change: p.Asp416Tyr; replaces aspartic acid 416 with tyrosine.
Molecular consequence: missense variant. On other transcripts: non-coding transcript variant (1).
Genome position (GRCh38, 1-based): chr6:53,012,134, C>A on the plus strand (G>T on the coding strand, the complement: CILK1 is on the minus strand). VCF-style: chr6-53012134-C-A. GRCh37 (hg19) VCF-style: chr6-52876932-C-A.
Other names: c.1267G>T, p.Asp423Tyr (NM_001375397.1); c.1246G>T, p.Asp416Tyr (NM_001375398.1, NM_001375399.1, NM_001375400.1 and 3 more transcripts); c.1246G>T (NM_016513.4); short protein forms D416Y, D423Y.
Identifiers: ClinVar variation 1680543 (VCV001680543.5), dbSNP rs150600768, ClinGen allele CA3858594.